The following is an entry in ClinVar:

NM_003049.4(SLC10A1):c.754C>T (p.Arg252Cys)

Gene: SLC10A1 (solute carrier family 10 member 1; minus strand). Cytogenetic location: 14q24.1.
Variant type: single nucleotide variant.
Coding change: c.754C>T on transcript NM_003049.4 (MANE Select); coding-DNA position 754, C replaced by T.
Protein change: p.Arg252Cys; replaces arginine 252 with cysteine.
Molecular consequence: missense variant.
Genome position (GRCh38, 1-based): chr14:69,778,522, G>A on the plus strand (C>T on the coding strand, the complement: SLC10A1 is on the minus strand). VCF-style: chr14-69778522-G-A. GRCh37 (hg19) VCF-style: chr14-70245239-G-A.
Other names: short protein forms R252C.
Identifiers: ClinVar variation 3162749 (VCV003162749.2), dbSNP rs141269120, ClinGen allele CA7245982.
Genomic context (GRCh38, chr14:69,778,522, plus strand): 5'-CATTGAGGATGGTGGAACAGAGTTGGACATTTTGGCATCCAGTCTCCATGCTGACAGTGC[G>A]TCTGCACCTGTGCCGGTGAAGAAAACCCCACATACACTCAGAGGGAACTGGAGGGAGCAA-3'
Protein context (NP_003040.1, residues 242-262): ALFCLNGRCR[Arg252Cys]TVSMETGCQN

ClinVar aggregate classification (germline): Uncertain significance. Review status: criteria provided, multiple submitters, no conflicts (2 of 4 stars). 2 submissions from 2 submitters: Uncertain significance (2). Last evaluated 2026-05-07.

Conditions:
SLC10A1-related disorder. Also called: SLC10A1-related condition.

Allele frequency attached by ClinVar (database versions not stated): 1000 Genomes Project 30x 0.00016; 1000 Genomes Project 0.00020.

Submissions (2):

PreventionGenetics, part of Exact Sciences
Classification: Uncertain significance for SLC10A1-related condition. Last evaluated: 2026-05-07. Review status: criteria provided, single submitter. Criteria: ACMG Guidelines, 2015. Collection method: clinical testing. Allele origin: germline.
Comment: The SLC10A1 c.754C>T variant is predicted to result in the amino acid substitution p.Arg252Cys. To our knowledge, this variant has not been reported in the literature. Of note, a different amino acid substitution affecting the same amino acid (p.Arg252His) has been reported in the homozygous state in individuals with hypercholanemia and functional studies indicate it results in impaired protein function (Vaz et al. 2015. PubMed ID: 24867799; Erlinger 2015. PubMed ID: 25193235). This variant is reported in 0.037% of alleles in individuals of European (Finnish) descent in gnomAD. At this time, the clinical significance of this variant is uncertain due to the absence of conclusive functional and genetic evidence.

Ambry Genetics
Classification: Uncertain significance. Last evaluated: 2021-08-10. Review status: criteria provided, single submitter. Criteria: Ambry Variant Classification Scheme 2023. Collection method: clinical testing. Allele origin: germline.